The following is an entry in ClinVar:

NM_001018115.3(FANCD2):c.3561-1G>A

Genes: FANCD2 (FA complementation group D2; plus strand), FANCD2OS (FANCD2 opposite strand; minus strand). Cytogenetic location: 3p25.3.
Variant type: single nucleotide variant.
Coding change: c.3561-1G>A on transcript NM_001018115.3 (MANE Select); the canonical splice acceptor site of the intron before coding-DNA position 3561, G replaced by A.
Molecular consequence: splice acceptor variant. On other transcripts: intron variant (1).
Genome position (GRCh38, 1-based): chr3:10,088,827, G>A. VCF-style: chr3-10088827-G-A. GRCh37 (hg19) VCF-style: chr3-10130511-G-A.
Other names: c.3561-1G>A (NM_001319984.2, NM_033084.6, NM_001374254.1); c.3450-1G>A (NM_001374253.1); c.*44-7296C>T (NM_173472.2).
Identifiers: ClinVar variation 3693094 (VCV003693094.2).

ClinVar aggregate classification (germline): Likely pathogenic (1 of 4 stars; one submission).

Conditions:
Fanconi anemia (FA). Also called: Fanconi's anemia. Identifiers: Orphanet 84, MedGen C0015625, MeSH D005199, MONDO:0019391.

Submission:

Labcorp Genetics (formerly Invitae), Labcorp
Classification: Likely pathogenic for Fanconi anemia. Last evaluated: 2025-01-11. Review status: criteria provided, single submitter. Criteria: Invitae Variant Classification Sherloc (09022015). Collection method: clinical testing. Allele origin: germline.
Comment: This sequence change affects an acceptor splice site in intron 35 of the FANCD2 gene. It is expected to disrupt RNA splicing. Variants that disrupt the donor or acceptor splice site typically lead to a loss of protein function (PMID: 16199547), and loss-of-function variants in FANCD2 are known to be pathogenic (PMID: 17436244). This variant is not present in population databases (gnomAD no frequency). This variant has not been reported in the literature in individuals affected with FANCD2-related conditions. Algorithms developed to predict the effect of sequence changes on RNA splicing suggest that this variant may disrupt the consensus splice site. In summary, the currently available evidence indicates that the variant is pathogenic, but additional data are needed to prove that conclusively. Therefore, this variant has been classified as Likely Pathogenic.

Literature cited by the submitters: PubMed 16199547; PubMed 17436244.